The following is an entry in ClinVar:

NM_199242.3(UNC13D):c.1562T>C (p.Leu521Pro)

Gene: UNC13D (unc-13 homolog D; minus strand). Cytogenetic location: 17q25.1.
Variant type: single nucleotide variant.
Coding change: c.1562T>C on transcript NM_199242.3 (MANE Select); coding-DNA position 1562, T replaced by C.
Protein change: p.Leu521Pro; replaces leucine 521 with proline.
Molecular consequence: missense variant.
Genome position (GRCh38, 1-based): chr17:75,835,889, A>G on the plus strand (T>C on the coding strand, the complement: UNC13D is on the minus strand). VCF-style: chr17-75835889-A-G. GRCh37 (hg19) VCF-style: chr17-73831970-A-G.
Other names: short protein forms L521P.
Identifiers: ClinVar variation 2012721 (VCV002012721.4), dbSNP rs2545981894, ClinGen allele CA401097044.

ClinVar aggregate classification (germline): Uncertain significance (1 of 4 stars; one submission).

Conditions:
Familial hemophagocytic lymphohistiocytosis 3 (FHL3). Also called: UNC13D-Related Familial Hemophagocytic Lymphohistiocytosis (UNC13D-fHLH). Identifiers: Orphanet 540, MedGen C1837174, MONDO:0012146, OMIM 608898.

Submission:

Labcorp Genetics (formerly Invitae), Labcorp
Classification: Uncertain significance for Familial hemophagocytic lymphohistiocytosis 3. Last evaluated: 2022-07-14. Review status: criteria provided, single submitter. Criteria: Invitae Variant Classification Sherloc (09022015). Collection method: clinical testing. Allele origin: germline.
Comment: This variant is not present in population databases (gnomAD no frequency). This sequence change replaces leucine, which is neutral and non-polar, with proline, which is neutral and non-polar, at codon 521 of the UNC13D protein (p.Leu521Pro). This variant has not been reported in the literature in individuals affected with UNC13D-related conditions. In summary, the available evidence is currently insufficient to determine the role of this variant in disease. Therefore, it has been classified as a Variant of Uncertain Significance. Algorithms developed to predict the effect of missense changes on protein structure and function are either unavailable or do not agree on the potential impact of this missense change (SIFT: "Not Available"; PolyPhen-2: "Possibly Damaging"; Align-GVGD: "Not Available").